The following is an entry in ClinVar:

ClinVar aggregate classification (germline): Likely benign (1 of 4 stars; one submission).

Submission:

CeGaT Center for Human Genetics Tuebingen
Classification: Likely benign. Last evaluated: 2023-09-01. Review status: criteria provided, single submitter. Criteria: CeGaT Center For Human Genetics Tuebingen Variant Classification Criteria Version 2. Collection method: clinical testing. Allele origin: germline. Affected: yes. Observed: 1 variant allele.
Comment: SLC5A7: PM2:Supporting, BP4, BP7

NM_021815.5(SLC5A7):c.660G>A (p.Val220=)

Gene: SLC5A7 (solute carrier family 5 member 7; plus strand). Cytogenetic location: 2q12.3.
Variant type: single nucleotide variant.
Coding change: c.660G>A on transcript NM_021815.5 (MANE Select); coding-DNA position 660, G replaced by A.
Protein change: p.Val220=; no amino-acid change (valine 220 retained).
Molecular consequence: synonymous variant. On other transcripts: 5 prime UTR variant (1).
Genome position (GRCh38, 1-based): chr2:108,001,959, G>A. VCF-style: chr2-108001959-G-A. GRCh37 (hg19) VCF-style: chr2-108618415-G-A.
Other names: c.660G>A, p.Val220= (NM_001305005.3); c.345G>A, p.Val115= (NM_001305006.3); c.-82G>A (NM_001305007.3).
Identifiers: ClinVar variation 2651242 (VCV002651242.24), dbSNP rs2467100607, ClinGen allele CA428082572.